The following is an entry in ClinVar:

NM_000492.4:c.(743+1_744-1)_(1584+1_1585-1)dup

Gene: CFTR (CF transmembrane conductance regulator; plus strand).
Variant type: Duplication.
Other names: CFTRdup6b-10; c.(743+1_744-1)_(1584+1_1585-1)dup (NM_000492.4).
Identifiers: ClinVar variation 1706039 (VCV001706039.1).

ClinVar aggregate classification (germline): Pathogenic (1 of 4 stars; one submission).

Conditions:
Cystic fibrosis (CF). Also called: MUCOVISCIDOSIS. Identifiers: Orphanet 586, MedGen C0010674, MONDO:0009061, OMIM 219700. Disease mechanism: loss of function.

Submission:

Institute of Human Genetics, University of Leipzig Medical Center
Classification: Pathogenic for Cystic fibrosis. Last evaluated: 2022-09-05. Review status: criteria provided, single submitter. Criteria: ACMG Guidelines, 2015. Collection method: curation. Allele origin: unknown. Affected: yes. Observed: 2 variant alleles.
Comment: This variant was identified in 2 unrelated patients with a clinically confirmed diagnosis of cystic fibrosis. The variant was classified in the context of a project re-classifying variants in the German Cystic Fibrosis Registry (Muko.e.V.). Criteria applied: PVS1_STR, PM3_STR, PM2_SUP, PP4